The following is an entry in ClinVar:

ClinVar aggregate classification (germline): Benign. Review status: criteria provided, multiple submitters, no conflicts (2 of 4 stars). 4 submissions from 4 submitters: Benign (2). 2 of the submissions do not count toward it. Last evaluated 2026-01-26.

Conditions:
NIN-related disorder. Also called: NIN-related condition.

Allele frequency attached by ClinVar (database versions not stated): gnomAD exomes 0.00074 and 0.00220; ExAC 0.00257; gnomAD 0.00808 and 0.00858; TOPMed 0.00920; ESP Exome Variant Server 0.00969; 1000 Genomes Project 0.01138; 1000 Genomes Project 30x 0.01312.
gnomAD v4.1: 2,381 of 1,614,112 alleles (0.15%); highest among the groups gnomAD compares: African/African-American, 2.7%; 33 homozygotes.

Submissions (4):

Labcorp Genetics (formerly Invitae), Labcorp
Classification: Benign. Last evaluated: 2026-01-26. Review status: criteria provided, single submitter. Criteria: Invitae Variant Classification Sherloc (09022015). Collection method: clinical testing. Allele origin: germline.

Breakthrough Genomics
Classification: Benign. Review status: criteria provided, single submitter. Criteria: ACMG Guidelines, 2015. Collection method: not provided. Allele origin: germline. Inheritance: Autosomal recessive inheritance. Affected: yes.

PreventionGenetics, part of Exact Sciences
Classification: Benign for NIN-related condition. Last evaluated: 2020-01-06. Review status: no assertion criteria provided. Collection method: clinical testing. Allele origin: germline. Not counted in ClinVar's aggregate classification.
Comment: This variant is classified as benign based on ACMG/AMP sequence variant interpretation guidelines (Richards et al. 2015 PMID: 25741868, with internal and published modifications).

Genetic Services Laboratory, University of Chicago
Classification: Likely benign for AllHighlyPenetrant. Review status: no assertion criteria provided. Collection method: clinical testing. Allele origin: germline. Inheritance: Autosomal recessive inheritance. Not counted in ClinVar's aggregate classification.
Comment: Likely benign based on allele frequency in 1000 Genomes Project or ESP global frequency and its presence in a patient with a rare or unrelated disease phenotype. NOT Sanger confirmed.

NM_020921.4(NIN):c.3454G>T (p.Val1152Phe)

Gene: NIN (ninein; minus strand). Cytogenetic location: 14q22.1.
Variant type: single nucleotide variant.
Coding change: c.3454G>T on transcript NM_020921.4 (MANE Select); coding-DNA position 3454, G replaced by T.
Protein change: p.Val1152Phe; replaces valine 1152 with phenylalanine.
Molecular consequence: missense variant. On other transcripts: intron variant (1).
Genome position (GRCh38, 1-based): chr14:50,757,576, C>A on the plus strand (G>T on the coding strand, the complement: NIN is on the minus strand). VCF-style: chr14-50757576-C-A. GRCh37 (hg19) VCF-style: chr14-51224294-C-A.
Other names: c.3454G>T, p.Val1152Phe (NM_182944.3, NM_182946.2); c.2399+2281G>T (NM_016350.5); short protein forms V1152F.
Identifiers: ClinVar variation 129788 (VCV000129788.18), dbSNP rs61742284, ClinGen allele CA154091.